The following is an entry in ClinVar:

NM_001365951.3(KIF1B):c.3043G>A (p.Ala1015Thr)

Gene: KIF1B (kinesin family member 1B; plus strand). Cytogenetic location: 1p36.22.
Variant type: single nucleotide variant.
Coding change: c.3043G>A on transcript NM_001365951.3 (MANE Select); coding-DNA position 3043, G replaced by A.
Protein change: p.Ala1015Thr; replaces alanine 1015 with threonine.
Molecular consequence: missense variant.
Genome position (GRCh38, 1-based): chr1:10,334,638, G>A. VCF-style: chr1-10334638-G-A. GRCh37 (hg19) VCF-style: chr1-10394696-G-A.
Other names: c.3043G>A, p.Ala1015Thr (NM_001365952.1); c.2905G>A, p.Ala969Thr (NM_015074.3); short protein forms A1015T, A969T.
Identifiers: ClinVar variation 663891 (VCV000663891.13), dbSNP rs200614254, ClinGen allele CA17840465.

ClinVar aggregate classification (germline): Uncertain significance. Review status: criteria provided, multiple submitters, no conflicts (2 of 4 stars). 3 submissions from 3 submitters: Uncertain significance (3). Last evaluated 2025-03-27.

Conditions:
Charcot-Marie-Tooth disease type 2. Also called: Charcot-Marie-Tooth type 2. Identifiers: Orphanet 64746, MedGen C0270914, MONDO:0018993.
Charcot-Marie-Tooth disease. Also called: Charcot-Marie-Tooth Neuropathy; Charcot-Marie-Tooth Hereditary Neuropathy. Identifiers: Orphanet 166, MedGen C0007959, MONDO:0015626.

Allele frequency attached by ClinVar (database versions not stated): gnomAD exomes 0.00001 and 0.00002; TOPMed 0.00001; gnomAD 0.00003.
gnomAD v4.1: 28 of 1,609,604 alleles (0.0017%); highest among the groups gnomAD compares: African/African-American, 0.0027%; no homozygotes.

Submissions (3):

Ambry Genetics
Classification: Uncertain significance. Last evaluated: 2025-03-27. Review status: criteria provided, single submitter. Criteria: Ambry Variant Classification Scheme 2023. Collection method: clinical testing. Allele origin: germline.
Comment: The p.A969T variant (also known as c.2905G>A ), located in coding exon 25 of the KIF1B gene, results from a G to A substitution at nucleotide position 2905. The alanine at codon 969 is replaced by threonine, an amino acid with similar properties. However, this change occurs in the last base pair of coding exon 25, which makes it likely to have some effect on normal mRNA splicing. This nucleotide position is highly conserved in available vertebrate species. In silico splice site analysis predicts that this alteration will result in the creation or strengthening of a novel splice donor site. In addition, as a missense substitution this is predicted to be tolerated by in silico analysis. The evidence for this gene-disease relationship is limited; therefore, the clinical significance of this alteration is unclear.

Labcorp Genetics (formerly Invitae), Labcorp
Classification: Uncertain significance for Charcot-Marie-Tooth disease type 2. Last evaluated: 2024-03-01. Review status: criteria provided, single submitter. Criteria: Invitae Variant Classification Sherloc (09022015). Collection method: clinical testing. Allele origin: germline.
Comment: This sequence change replaces alanine, which is neutral and non-polar, with threonine, which is neutral and polar, at codon 969 of the KIF1B protein (p.Ala969Thr). This variant also falls at the last nucleotide of exon 26, which is part of the consensus splice site for this exon. This variant is present in population databases (rs200614254, gnomAD 0.004%). This missense change has been observed in individual(s) with clinical features of Charcot-Marie Tooth disease (PMID: 32376792). ClinVar contains an entry for this variant (Variation ID: 663891). An algorithm developed to predict the effect of missense changes on protein structure and function (PolyPhen-2) suggests that this variant is likely to be tolerated. Variants that disrupt the consensus splice site are a relatively common cause of aberrant splicing (PMID: 17576681, 9536098). Algorithms developed to predict the effect of sequence changes on RNA splicing suggest that this variant may create or strengthen a splice site. In summary, the available evidence is currently insufficient to determine the role of this variant in disease. Therefore, it has been classified as a Variant of Uncertain Significance.

Molecular Genetics Laboratory, London Health Sciences Centre
Classification: Uncertain significance for Charcot-Marie-Tooth disease. Review status: criteria provided, single submitter. Criteria: ACMG Guidelines, 2015. Collection method: clinical testing. Allele origin: germline. Affected: yes.

Literature cited by the submitters: PubMed 32376792 (cited by Labcorp Genetics (formerly Invitae), Labcorp); PubMed 17576681 (cited by Labcorp Genetics (formerly Invitae), Labcorp); PubMed 9536098 (cited by Labcorp Genetics (formerly Invitae), Labcorp).